The following is an entry in ClinVar:

NM_001128227.3(GNE):c.26G>C (p.Arg9Thr)

Gene: GNE (glucosamine (UDP-N-acetyl)-2-epimerase/N-acetylmannosamine kinase; minus strand). Cytogenetic location: 9p13.3.
Variant type: single nucleotide variant.
Coding change: c.26G>C on transcript NM_001128227.3 (MANE Plus Clinical); coding-DNA position 26, G replaced by C.
Protein change: p.Arg9Thr; replaces arginine 9 with threonine.
Molecular consequence: missense variant. On other transcripts: 5 prime UTR variant (1).
Genome position (GRCh38, 1-based): chr9:36,276,919, C>G on the plus strand (G>C on the coding strand, the complement: GNE is on the minus strand). VCF-style: chr9-36276919-C-G. GRCh37 (hg19) VCF-style: chr9-36276916-C-G.
Other names: c.-39G>C (NM_001190388.2); short protein forms R9T.
Identifiers: ClinVar variation 2428213 (VCV002428213.43), dbSNP rs2489933494, ClinGen allele CA373429430.

ClinVar aggregate classification (germline): Uncertain significance (1 of 4 stars; one submission).

Conditions:
Sialuria. Also called: SIALURIA, FRENCH TYPE; Sialic Acid Storage Disease. Identifiers: Orphanet 3166, MedGen C0342853, MONDO:0010028, OMIM 269921.
GNE myopathy (NM). Also called: MYOPATHY, DISTAL, WITH OR WITHOUT RIMMED VACUOLES; IBM 2; Inclusion body myopathy autosomal recessive; Inclusion body myopathy quadriceps sparing; NONAKA DISTAL MYOPATHY; INCLUSION BODY MYOPATHY, HEREDITARY, AUTOSOMAL RECESSIVE. Identifiers: Orphanet 602, MedGen C1853926, MONDO:0011603, OMIM 605820.

Allele frequency attached by ClinVar (database versions not stated): gnomAD exomes below 0.00001.
gnomAD v4.1: 1 of 1,612,932 alleles (0.000062%); highest among the groups gnomAD compares: Non-Finnish European, 0.000085%; no homozygotes.

Submission:

Labcorp Genetics (formerly Invitae), Labcorp
Classification: Uncertain significance for Sialuria; GNE myopathy. Last evaluated: 2023-02-08. Review status: criteria provided, single submitter. Criteria: Invitae Variant Classification Sherloc (09022015). Collection method: clinical testing. Allele origin: germline.
Comment: This sequence change replaces arginine, which is basic and polar, with threonine, which is neutral and polar, at codon 9 of the GNE protein (p.Arg9Thr). This variant is not present in population databases (gnomAD no frequency). This variant has not been reported in the literature in individuals affected with GNE-related conditions. Advanced modeling of protein sequence and biophysical properties (such as structural, functional, and spatial information, amino acid conservation, physicochemical variation, residue mobility, and thermodynamic stability) performed at Invitae indicates that this missense variant is not expected to disrupt GNE protein function. In summary, the available evidence is currently insufficient to determine the role of this variant in disease. Therefore, it has been classified as a Variant of Uncertain Significance.